The following is an entry in ClinVar:

NM_001367871.1(FBRSL1):c.1173G>A (p.Ala391=)

Gene: FBRSL1 (fibrosin like 1; plus strand). Cytogenetic location: 12q24.33.
Variant type: single nucleotide variant.
Coding change: c.1173G>A on transcript NM_001367871.1 (MANE Select); coding-DNA position 1173, G replaced by A.
Protein change: p.Ala391=; no amino-acid change (alanine 391 retained).
Molecular consequence: synonymous variant.
Genome position (GRCh38, 1-based): chr12:132,570,500, G>A. VCF-style: chr12-132570500-G-A. GRCh37 (hg19) VCF-style: chr12-133147086-G-A.
Other names: c.1173G>A, p.Ala391= (NM_001142641.2, NM_001382739.1, NM_001382740.1).
Identifiers: ClinVar variation 4820668 (VCV004820668.4).

ClinVar aggregate classification (germline): Likely benign (1 of 4 stars; one submission).

gnomAD v4.1: 5,051 of 1,526,842 alleles (0.33%); highest among the groups gnomAD compares: Non-Finnish European, 0.39%; 10 homozygotes.

Submission:

CeGaT Center for Human Genetics Tuebingen
Classification: Likely benign. Last evaluated: 2026-09-01. Review status: criteria provided, single submitter. Criteria: CeGaT Center For Human Genetics Tuebingen Variant Classification Criteria Version 2. Collection method: clinical testing. Allele origin: germline. Affected: yes. Observed: 5 variant alleles.
Comment: FBRSL1: BP4, BP7